The following is an entry in ClinVar:

NM_177972.3(TUB):c.872A>G (p.Glu291Gly)

Genes: RIC3 (RIC3 acetylcholine receptor chaperone; minus strand), TUB (TUB bipartite transcription factor; plus strand). Cytogenetic location: 11p15.4.
Variant type: single nucleotide variant.
Coding change: c.872A>G on transcript NM_177972.3 (MANE Select); coding-DNA position 872, A replaced by G.
Protein change: p.Glu291Gly; replaces glutamic acid 291 with glycine.
Molecular consequence: missense variant.
Genome position (GRCh38, 1-based): chr11:8,097,412, A>G. VCF-style: chr11-8097412-A-G. GRCh37 (hg19) VCF-style: chr11-8118959-A-G.
Other names: c.1037A>G, p.Glu346Gly (NM_003320.5); short protein forms E291G, E346G.
Identifiers: ClinVar variation 1024267 (VCV001024267.8), dbSNP rs1944046497, ClinGen allele CA379569266.

ClinVar aggregate classification (germline): Uncertain significance (1 of 4 stars; one submission).

Submission:

Labcorp Genetics (formerly Invitae), Labcorp
Classification: Uncertain significance. Last evaluated: 2022-09-27. Review status: criteria provided, single submitter. Criteria: Invitae Variant Classification Sherloc (09022015). Collection method: clinical testing. Allele origin: germline.
Comment: In summary, the available evidence is currently insufficient to determine the role of this variant in disease. Therefore, it has been classified as a Variant of Uncertain Significance. Algorithms developed to predict the effect of missense changes on protein structure and function are either unavailable or do not agree on the potential impact of this missense change (SIFT: "Tolerated"; PolyPhen-2: "Possibly Damaging"; Align-GVGD: "Class C0"). ClinVar contains an entry for this variant (Variation ID: 1024267). This variant has not been reported in the literature in individuals affected with TUB-related conditions. This variant is not present in population databases (gnomAD no frequency). This sequence change replaces glutamic acid, which is acidic and polar, with glycine, which is neutral and non-polar, at codon 346 of the TUB protein (p.Glu346Gly).